The following is an entry in ClinVar:

NM_000039.3(APOA1):c.116C>T (p.Ala39Val)

Genes: APOA1 (apolipoprotein A1; minus strand), APOA1-AS (APOA1 antisense RNA; plus strand). Cytogenetic location: 11q23.3.
Variant type: single nucleotide variant.
Coding change: c.116C>T on transcript NM_000039.3 (MANE Select); coding-DNA position 116, C replaced by T.
Protein change: p.Ala39Val; replaces alanine 39 with valine.
Molecular consequence: missense variant.
Genome position (GRCh38, 1-based): chr11:116,837,085, G>A on the plus strand (C>T on the coding strand, the complement: APOA1 is on the minus strand). VCF-style: chr11-116837085-G-A. GRCh37 (hg19) VCF-style: chr11-116707801-G-A.
Other names: c.116C>T, p.Ala39Val (NM_001318017.2, NM_001318018.2); c.-212C>T (NM_001318021.2); short protein forms A39V.
Identifiers: ClinVar variation 302509 (VCV000302509.10), dbSNP rs746314593, ClinGen allele CA6289893.

ClinVar aggregate classification (germline): Conflicting classifications of pathogenicity. Review status: criteria provided, conflicting classifications (1 of 4 stars). 4 submissions from 3 submitters: Uncertain significance (3); Likely benign (1). Last evaluated 2024-10-18.

Conditions:
Cardiovascular phenotype. Identifiers: MedGen CN230736.
Familial visceral amyloidosis, Ostertag type (AMYLD2). Also called: AMYLOIDOSIS VIII; Ostertag type amyloidosis; Familial visceral amyloidosis; Amyloidosis, hepatic and systemic; AMYLOIDOSIS, HEREDITARY SYSTEMIC 2; Hereditary Renal Amyloidosis. Identifiers: Orphanet 85450, MedGen C0268389, MONDO:0007099, OMIM 105200.
Hypoalphalipoproteinemia, primary, 1. Identifiers: Orphanet 425, MedGen C5231558, MONDO:0011393, OMIM 604091.

Allele frequency attached by ClinVar (database versions not stated): gnomAD exomes below 0.00001 and 0.00001; gnomAD 0.00001; TOPMed 0.00001; ExAC 0.00002.

Submissions (4):

Labcorp Genetics (formerly Invitae), Labcorp
Classification: Uncertain significance. Last evaluated: 2024-10-18. Review status: criteria provided, single submitter. Criteria: Invitae Variant Classification Sherloc (09022015). Collection method: clinical testing. Allele origin: germline.
Comment: This sequence change replaces alanine, which is neutral and non-polar, with valine, which is neutral and non-polar, at codon 39 of the APOA1 protein (p.Ala39Val). This variant is present in population databases (rs746314593, gnomAD 0.007%). This variant has not been reported in the literature in individuals affected with APOA1-related conditions. ClinVar contains an entry for this variant (Variation ID: 302509). Invitae Evidence Modeling of protein sequence and biophysical properties (such as structural, functional, and spatial information, amino acid conservation, physicochemical variation, residue mobility, and thermodynamic stability) indicates that this missense variant is not expected to disrupt APOA1 protein function with a negative predictive value of 95%. In summary, the available evidence is currently insufficient to determine the role of this variant in disease. Therefore, it has been classified as a Variant of Uncertain Significance.

Ambry Genetics
Classification: Likely benign for Cardiovascular phenotype. Last evaluated: 2024-09-30. Review status: criteria provided, single submitter. Criteria: Ambry Variant Classification Scheme 2023. Collection method: clinical testing. Allele origin: germline.

Illumina Laboratory Services, Illumina
Classification: Uncertain significance for Familial visceral amyloidosis, Ostertag type. Last evaluated: 2018-01-12. Review status: criteria provided, single submitter. Criteria: ICSL Variant Classification Criteria 13 December 2019. Collection method: clinical testing. Allele origin: germline.

Illumina Laboratory Services, Illumina
Classification: Uncertain significance for Hypoalphalipoproteinemia, primary, 1. Last evaluated: 2018-01-12. Review status: criteria provided, single submitter. Criteria: ICSL Variant Classification Criteria 13 December 2019. Collection method: clinical testing. Allele origin: germline.